The following is an entry in ClinVar:

ClinVar aggregate classification (germline): Uncertain significance. Review status: criteria provided, multiple submitters, no conflicts (2 of 4 stars). 2 submissions from 2 submitters: Uncertain significance (2). Last evaluated 2025-05-23.

Conditions:
Inborn genetic diseases. Identifiers: MedGen C0950123, MeSH D030342.

Allele frequency attached by ClinVar (database versions not stated): gnomAD 0.00005; ExAC 0.00006.
gnomAD v4.1: 76 of 1,536,984 alleles (0.0049%); highest among the groups gnomAD compares: Non-Finnish European, 0.0063%; no homozygotes.

Submissions (2):

Ambry Genetics
Classification: Uncertain significance for Inborn genetic diseases. Last evaluated: 2025-05-23. Review status: criteria provided, single submitter. Criteria: Ambry Variant Classification Scheme 2023. Collection method: clinical testing. Allele origin: germline.

Labcorp Genetics (formerly Invitae), Labcorp
Classification: Uncertain significance. Last evaluated: 2025-01-28. Review status: criteria provided, single submitter. Criteria: Invitae Variant Classification Sherloc (09022015). Collection method: clinical testing. Allele origin: germline.
Comment: This sequence change replaces isoleucine, which is neutral and non-polar, with methionine, which is neutral and non-polar, at codon 475 of the FAM20C protein (p.Ile475Met). This variant is present in population databases (rs765546593, gnomAD 0.02%). This variant has not been reported in the literature in individuals affected with FAM20C-related conditions. ClinVar contains an entry for this variant (Variation ID: 2268893). Invitae Evidence Modeling of protein sequence and biophysical properties (such as structural, functional, and spatial information, amino acid conservation, physicochemical variation, residue mobility, and thermodynamic stability) indicates that this missense variant is not expected to disrupt FAM20C protein function with a negative predictive value of 80%. In summary, the available evidence is currently insufficient to determine the role of this variant in disease. Therefore, it has been classified as a Variant of Uncertain Significance.

NM_020223.4(FAM20C):c.1425C>G (p.Ile475Met)

Gene: FAM20C (FAM20C golgi associated secretory pathway kinase; plus strand). Cytogenetic location: 7p22.3.
Variant type: single nucleotide variant.
Coding change: c.1425C>G on transcript NM_020223.4 (MANE Select); coding-DNA position 1425, C replaced by G.
Protein change: p.Ile475Met; replaces isoleucine 475 with methionine.
Molecular consequence: missense variant.
Genome position (GRCh38, 1-based): chr7:257,066, C>G. VCF-style: chr7-257066-C-G. GRCh37 (hg19) VCF-style: chr7-297032-C-G.
Other names: short protein forms I475M.
Identifiers: ClinVar variation 2268893 (VCV002268893.4), dbSNP rs765546593, ClinGen allele CA4109172.
Genomic context (GRCh38, chr7:257,066, plus strand): 5'-AAACATGGACCGTCACCACTACGAGACTTTTGAGAAGTTTGGGAATGAAACGTTCATCAT[C>G]CACTTAGACAATGGAAGAGGGTGAGCCTGTCCTCGCCCCTGCACACCCAGGGAAGGGCCG-3'
Protein context (NP_064608.2, residues 465-485): FEKFGNETFI[Ile475Met]HLDNGRGFGK